The following is an entry in ClinVar:

NM_016222.4(DDX41):c.1431del (p.Phe478fs)

Gene: DDX41 (DEAD-box helicase 41; minus strand). Cytogenetic location: 5q35.3.
Variant type: Deletion.
Coding change: c.1431del on transcript NM_016222.4 (MANE Select); coding-DNA position 1431, one base deleted (A; older notation c.1431delA).
Protein change: p.Phe478fs; shifts the reading frame from phenylalanine 478.
Molecular consequence: frameshift variant.
Genome position (GRCh38, 1-based): chr5:177,512,614, T deleted on the plus strand (A on the coding strand, the reverse complement: DDX41 is on the minus strand). VCF-style (leftmost placement, unchanged base first): chr5-177512613-AT-A. GRCh37 (hg19) VCF-style: chr5-176939614-AT-A.
Other names: c.1053del, p.Phe352fs (NM_001321732.2, NM_001321830.2); c.1431delA (NM_016222.2); short protein forms F478fs, F352fs.
Identifiers: ClinVar variation 2111172 (VCV002111172.6), dbSNP rs2532075844, ClinGen allele CA2580074071.

ClinVar aggregate classification (germline): Pathogenic/Likely pathogenic. Review status: criteria provided, multiple submitters, no conflicts (2 of 4 stars). 3 submissions from 3 submitters: Pathogenic (2); Likely pathogenic (1). Last evaluated 2026-04-09.

Conditions:
DDX41-related disorders.
Inborn genetic diseases. Identifiers: MedGen C0950123, MeSH D030342.

Submissions (3):

Ambry Genetics
Classification: Pathogenic for Inborn genetic diseases. Last evaluated: 2026-04-09. Review status: criteria provided, single submitter. Criteria: Ambry Variant Classification Scheme 2023. Collection method: clinical testing. Allele origin: germline.
Comment: The c.1431delA pathogenic mutation, located in coding exon 14 of the DDX41 gene, results from a deletion of one nucleotide at nucleotide position 1431, causing a translational frameshift with a predicted alternate stop codon (p.F478Sfs*9). This variant is considered to be rare based on population cohorts in the Genome Aggregation Database (gnomAD). This variant is expected to result in loss of function by premature protein truncation or nonsense-mediated mRNA decay. As such, this variant is interpreted as a disease-causing mutation.

Labcorp Genetics (formerly Invitae), Labcorp
Classification: Pathogenic. Last evaluated: 2022-03-13. Review status: criteria provided, single submitter. Criteria: Invitae Variant Classification Sherloc (09022015). Collection method: clinical testing. Allele origin: germline.
Comment: This sequence change creates a premature translational stop signal (p.Phe478Serfs*9) in the DDX41 gene. It is expected to result in an absent or disrupted protein product. Loss-of-function variants in DDX41 are known to be pathogenic (PMID: 26712909, 27133828). This variant is not present in population databases (gnomAD no frequency). This variant has not been reported in the literature in individuals affected with DDX41-related conditions. For these reasons, this variant has been classified as Pathogenic.

Blueprint Genetics
Classification: Likely pathogenic for DDX41-related disorders. Last evaluated: 2021-09-18. Review status: criteria provided, single submitter. Criteria: ACMG Guidelines, 2015. Collection method: clinical testing. Allele origin: germline. Affected: yes. Observed: 1 variant allele.

Literature cited by the submitters: PubMed 26712909 (cited by Labcorp Genetics (formerly Invitae), Labcorp); PubMed 27133828 (cited by Labcorp Genetics (formerly Invitae), Labcorp).